The following is an entry in ClinVar:

ClinVar aggregate classification (germline): Uncertain significance. Review status: criteria provided, multiple submitters, no conflicts (2 of 4 stars). 4 submissions from 4 submitters: Uncertain significance (3). 1 of the submissions does not count toward it. Last evaluated 2025-11-10.

Conditions:
Inborn genetic diseases. Identifiers: MedGen C0950123, MeSH D030342.
TRIP11-related disorder. Also called: TRIP11-related condition; TRIP11-Related Disorders.
Achondrogenesis, type IA (ACG1A). Identifiers: Orphanet 932, Orphanet 93299, MedGen C0265273, MONDO:0008701, OMIM 200600.

Allele frequency attached by ClinVar (database versions not stated): ExAC 0.00003; gnomAD 0.00005; TOPMed 0.00007; 1000 Genomes Project 30x 0.00047; 1000 Genomes Project 0.00060.
gnomAD v4.1: 19 of 1,613,164 alleles (0.0012%); highest among the groups gnomAD compares: African/African-American, 0.016%; no homozygotes.

Submissions (4):

Labcorp Genetics (formerly Invitae), Labcorp
Classification: Uncertain significance for Achondrogenesis, type IA. Last evaluated: 2025-11-10. Review status: criteria provided, single submitter. Criteria: Invitae Variant Classification Sherloc (09022015). Collection method: clinical testing. Allele origin: germline.
Comment: This sequence change replaces glutamic acid, which is acidic and polar, with glycine, which is neutral and non-polar, at codon 1745 of the TRIP11 protein (p.Glu1745Gly). This variant is present in population databases (rs142300046, gnomAD 0.03%). This variant has not been reported in the literature in individuals affected with TRIP11-related conditions. ClinVar contains an entry for this variant (Variation ID: 2698352). Invitae Evidence Modeling of protein sequence and biophysical properties (such as structural, functional, and spatial information, amino acid conservation, physicochemical variation, residue mobility, and thermodynamic stability) indicates that this missense variant is not expected to disrupt TRIP11 protein function with a negative predictive value of 80%. In summary, the available evidence is currently insufficient to determine the role of this variant in disease. Therefore, it has been classified as a Variant of Uncertain Significance.

GeneDx
Classification: Uncertain significance. Last evaluated: 2025-01-21. Review status: criteria provided, single submitter. Criteria: GeneDx Variant Classification Process June 2021. Collection method: clinical testing. Allele origin: germline. Affected: yes.
Comment: In silico analysis supports that this missense variant has a deleterious effect on protein structure/function; Has not been previously published as pathogenic or benign to our knowledge

Ambry Genetics
Classification: Uncertain significance for Inborn genetic diseases. Last evaluated: 2024-10-25. Review status: criteria provided, single submitter. Criteria: Ambry Variant Classification Scheme 2023. Collection method: clinical testing. Allele origin: germline.

PreventionGenetics, part of Exact Sciences
Classification: Uncertain significance for TRIP11-related condition. Last evaluated: 2024-01-11. Review status: no assertion criteria provided. Collection method: clinical testing. Allele origin: germline. Not counted in ClinVar's aggregate classification.
Comment: The TRIP11 c.5234A>G variant is predicted to result in the amino acid substitution p.Glu1745Gly. To our knowledge, this variant has not been reported in the literature. This variant is reported in 0.024% of alleles in individuals of African descent in gnomAD. At this time, the clinical significance of this variant is uncertain due to the absence of conclusive functional and genetic evidence.

NM_004239.4(TRIP11):c.5234A>G (p.Glu1745Gly)

Gene: TRIP11 (thyroid hormone receptor interactor 11; minus strand). Cytogenetic location: 14q32.12.
Variant type: single nucleotide variant.
Coding change: c.5234A>G on transcript NM_004239.4 (MANE Select); coding-DNA position 5234, A replaced by G.
Protein change: p.Glu1745Gly; replaces glutamic acid 1745 with glycine.
Molecular consequence: missense variant.
Genome position (GRCh38, 1-based): chr14:91,988,310, T>C on the plus strand (A>G on the coding strand, the complement: TRIP11 is on the minus strand). VCF-style: chr14-91988310-T-C. GRCh37 (hg19) VCF-style: chr14-92454654-T-C.
Other names: c.5231A>G, p.Glu1744Gly (NM_001321851.1); c.5234A>G (NM_004239.3); short protein forms E1744G, E1745G.
Identifiers: ClinVar variation 2698352 (VCV002698352.7), dbSNP rs142300046, ClinGen allele CA7313236.